The following is an entry in ClinVar:

ClinVar aggregate classification (germline): Uncertain significance (1 of 4 stars; one submission).

Submission:

Labcorp Genetics (formerly Invitae), Labcorp
Classification: Uncertain significance. Last evaluated: 2024-07-15. Review status: criteria provided, single submitter. Criteria: Invitae Variant Classification Sherloc (09022015). Collection method: clinical testing. Allele origin: germline.
Comment: This sequence change replaces aspartic acid, which is acidic and polar, with asparagine, which is neutral and polar, at codon 1860 of the NOTCH3 protein (p.Asp1860Asn). This variant is not present in population databases (gnomAD no frequency). This variant has not been reported in the literature in individuals affected with NOTCH3-related conditions. Advanced modeling of protein sequence and biophysical properties (such as structural, functional, and spatial information, amino acid conservation, physicochemical variation, residue mobility, and thermodynamic stability) performed at Invitae indicates that this missense variant is not expected to disrupt NOTCH3 protein function with a negative predictive value of 95%. In summary, the available evidence is currently insufficient to determine the role of this variant in disease. Therefore, it has been classified as a Variant of Uncertain Significance.

NM_000435.3(NOTCH3):c.5578G>A (p.Asp1860Asn)

Gene: NOTCH3 (notch receptor 3; minus strand). Cytogenetic location: 19p13.12.
Variant type: single nucleotide variant.
Coding change: c.5578G>A on transcript NM_000435.3 (MANE Select); coding-DNA position 5578, G replaced by A.
Protein change: p.Asp1860Asn; replaces aspartic acid 1860 with asparagine.
Molecular consequence: missense variant.
Genome position (GRCh38, 1-based): chr19:15,165,876, C>T on the plus strand (G>A on the coding strand, the complement: NOTCH3 is on the minus strand). VCF-style: chr19-15165876-C-T. GRCh37 (hg19) VCF-style: chr19-15276687-C-T.
Other names: short protein forms D1860N.
Identifiers: ClinVar variation 3636201 (VCV003636201.2).